The following is an entry in ClinVar:

ClinVar aggregate classification (germline): Likely pathogenic. Review status: criteria provided, multiple submitters, no conflicts (2 of 4 stars). 4 submissions from 4 submitters: Likely pathogenic (4). Last evaluated 2025-06-23.

Conditions:
Hepatoencephalopathy due to combined oxidative phosphorylation defect type 1. Also called: HEPATOENCEPHALOPATHY, EARLY FATAL PROGRESSIVE. Identifiers: Orphanet 137681, MedGen C1836797, MONDO:0012191, OMIM 609060.

Allele frequency attached by ClinVar (database versions not stated): ExAC 0.00002; gnomAD 0.00003 and 0.00004; gnomAD exomes 0.00003 and 0.00007; TOPMed 0.00004; ESP Exome Variant Server 0.00008.

Submissions (4):

Labcorp Genetics (formerly Invitae), Labcorp
Classification: Likely pathogenic. Last evaluated: 2025-06-23. Review status: criteria provided, single submitter. Criteria: Invitae Variant Classification Sherloc (09022015). Collection method: clinical testing. Allele origin: germline.
Comment: This variant results in the deletion of part of exon 7 (c.997_998+2del) of the GFM1 gene. It is expected to disrupt RNA splicing. Variants that disrupt the donor or acceptor splice site typically lead to a loss of protein function (PMID: 16199547), and loss-of-function variants in GFM1 are known to be pathogenic (PMID: 16632485, 17160893). This variant is present in population databases (rs763084523, gnomAD 0.008%). This variant has not been reported in the literature in individuals affected with GFM1-related conditions. ClinVar contains an entry for this variant (Variation ID: 939719). In summary, the currently available evidence indicates that the variant is pathogenic, but additional data are needed to prove that conclusively. Therefore, this variant has been classified as Likely Pathogenic.

Natera, Inc.
Classification: Likely pathogenic for Combined oxidative phosphorylation deficiency 1. Last evaluated: 2025-05-12. Review status: criteria provided, single submitter. Criteria: Natera Variant Classification Schema (03/2026). Collection method: clinical testing. Allele origin: germline.
Comment: The c.997_998+2delGAGT variant in GFM1 is a canonical splice donor site variant predicted to affect pre-mRNA splicing, which may result in an abnormal transcript and altered protein product. This variant is expected to result in nonsense mediated decay, truncation, or a dysfunctional protein product. This variant is rare in the general population with a frequency below the threshold expected for the associated phenotype(s). Given the available evidence, this variant is classified as Likely Pathogenic.

Fulgent Genetics
Classification: Likely pathogenic for Hepatoencephalopathy due to combined oxidative phosphorylation defect type 1. Last evaluated: 2024-05-07. Review status: criteria provided, single submitter. Criteria: ACMG Guidelines, 2015. Collection method: clinical testing. Allele origin: germline.

Revvity Omics, Revvity
Classification: Likely pathogenic for Hepatoencephalopathy due to combined oxidative phosphorylation defect type 1. Last evaluated: 2022-12-05. Review status: criteria provided, single submitter. Criteria: ACMG Guidelines, 2015. Collection method: clinical testing. Allele origin: germline.

Literature cited by the submitters: PubMed 16199547 (cited by Labcorp Genetics (formerly Invitae), Labcorp); PubMed 16632485 (cited by Labcorp Genetics (formerly Invitae), Labcorp); PubMed 17160893 (cited by Labcorp Genetics (formerly Invitae), Labcorp).

NM_024996.7(GFM1):c.997_998+2del

Gene: GFM1 (G elongation factor mitochondrial 1; plus strand). Cytogenetic location: 3q25.32.
Variant type: Deletion.
Coding change: c.997_998+2del on transcript NM_024996.7 (MANE Select); coding-DNA position 997 through the canonical splice donor site of the intron after coding-DNA position 998, 4 bases deleted (GAGT; older notation c.997_998+2delGAGT).
Molecular consequence: splice donor variant.
Genome position (GRCh38, 1-based): chr3:158,653,466-158,653,469, GAGT deleted. VCF-style (leftmost placement, unchanged base first): chr3-158653465-GGAGT-G. GRCh37 (hg19) VCF-style: chr3-158371254-GGAGT-G.
Other names: c.1054_1055+2del (NM_001308164.2, NM_001374355.1); c.772_773+2del (NM_001374357.1); c.880_881+2del (NM_001374356.1); c.430_431+2del (NM_001374359.1, NM_001374360.1); c.313_314+2del (NM_001374361.1); c.538_539+2del (NM_001374358.1); c.997_998+2del (NM_001308166.2); c.997_998+2delGAGT (NM_024996.5).
Identifiers: ClinVar variation 939719 (VCV000939719.16), dbSNP rs763084523, ClinGen allele CA2682468.